The following is an entry in ClinVar:

ClinVar aggregate classification (germline): Likely benign (1 of 4 stars; one submission).

Allele frequency attached by ClinVar (database versions not stated): gnomAD 0.00003.
gnomAD v4.1: 53 of 1,594,598 alleles (0.0033%); highest among the groups gnomAD compares: Admixed American, 0.0052%; no homozygotes.

Submission:

Laboratory for Molecular Medicine, Mass General Brigham Personalized Medicine
Classification: Likely benign. Last evaluated: 2016-06-21. Review status: criteria provided, single submitter. Criteria: LMM Criteria. Collection method: clinical testing. Allele origin: germline. Observed: 1 variant allele.
Comment: p.Val91Ile in exon 2 of TSPEAR: This variant is not expected to have clinical si gnificance due to a lack of conservation across species, including mammals. Of n ote, >5 mammals have a isoleucine (Ile) at this position despite high nearby ami no acid conservation. In addition, computational prediction tools do not suggest a high likelihood of impact to the protein.

NM_144991.3(TSPEAR):c.271G>A (p.Val91Ile)

Gene: TSPEAR (thrombospondin type laminin G domain and EAR repeats; minus strand). Cytogenetic location: 21q22.3.
Variant type: single nucleotide variant.
Coding change: c.271G>A on transcript NM_144991.3 (MANE Select); coding-DNA position 271, G replaced by A.
Protein change: p.Val91Ile; replaces valine 91 with isoleucine.
Molecular consequence: missense variant.
Genome position (GRCh38, 1-based): chr21:44,567,817, C>T on the plus strand (G>A on the coding strand, the complement: TSPEAR is on the minus strand). VCF-style: chr21-44567817-C-T. GRCh37 (hg19) VCF-style: chr21-45987701-C-T.
Other names: c.67G>A, p.Val23Ile (NM_001272037.2); short protein forms V91I, V23I.
Identifiers: ClinVar variation 505156 (VCV000505156.5), dbSNP rs1555921926, ClinGen allele CA410467375.